The following is an entry in ClinVar:

NM_001122659.3(EDNRB):c.104G>C (p.Arg35Thr)

Gene: EDNRB (endothelin receptor type B; minus strand). Cytogenetic location: 13q22.3.
Variant type: single nucleotide variant.
Coding change: c.104G>C on transcript NM_001122659.3 (MANE Select); coding-DNA position 104, G replaced by C.
Protein change: p.Arg35Thr; replaces arginine 35 with threonine.
Molecular consequence: missense variant.
Genome position (GRCh38, 1-based): chr13:77,918,470, C>G on the plus strand (G>C on the coding strand, the complement: EDNRB is on the minus strand). VCF-style: chr13-77918470-C-G. GRCh37 (hg19) VCF-style: chr13-78492605-C-G.
Other names: c.104G>C, p.Arg35Thr (NM_000115.5, NM_003991.4); c.374G>C, p.Arg125Thr (NM_001201397.2); short protein forms R125T, R35T.
Identifiers: ClinVar variation 1440984 (VCV001440984.6), dbSNP rs1259767883, ClinGen allele CA388453031.

ClinVar aggregate classification (germline): Uncertain significance (1 of 4 stars; one submission).

Allele frequency attached by ClinVar (database versions not stated): gnomAD exomes below 0.00001.
gnomAD v4.1: 1 of 1,562,144 alleles (0.000064%); highest among the groups gnomAD compares: East Asian, 0.0022%; no homozygotes.

Submission:

Labcorp Genetics (formerly Invitae), Labcorp
Classification: Uncertain significance. Last evaluated: 2021-12-02. Review status: criteria provided, single submitter. Criteria: Invitae Variant Classification Sherloc (09022015). Collection method: clinical testing. Allele origin: germline.
Comment: This sequence change replaces arginine, which is basic and polar, with threonine, which is neutral and polar, at codon 35 of the EDNRB protein (p.Arg35Thr). This variant is present in population databases (no rsID available, gnomAD 0.006%). This variant has not been reported in the literature in individuals affected with EDNRB-related conditions. Algorithms developed to predict the effect of missense changes on protein structure and function (SIFT, PolyPhen-2, Align-GVGD) all suggest that this variant is likely to be tolerated. In summary, the available evidence is currently insufficient to determine the role of this variant in disease. Therefore, it has been classified as a Variant of Uncertain Significance.